The following is an entry in ClinVar:

ClinVar aggregate classification (germline): Uncertain significance (1 of 4 stars; one submission).

Allele frequency attached by ClinVar (database versions not stated): TOPMed below 0.00001.

Submission:

Labcorp Genetics (formerly Invitae), Labcorp
Classification: Uncertain significance. Last evaluated: 2023-11-13. Review status: criteria provided, single submitter. Criteria: Invitae Variant Classification Sherloc (09022015). Collection method: clinical testing. Allele origin: germline.
Comment: This sequence change replaces arginine, which is basic and polar, with threonine, which is neutral and polar, at codon 912 of the HECW2 protein (p.Arg912Thr). This variant is not present in population databases (gnomAD no frequency). This variant has not been reported in the literature in individuals affected with HECW2-related conditions. Advanced modeling of protein sequence and biophysical properties (such as structural, functional, and spatial information, amino acid conservation, physicochemical variation, residue mobility, and thermodynamic stability) performed at Invitae indicates that this missense variant is not expected to disrupt HECW2 protein function with a negative predictive value of 80%. In summary, the available evidence is currently insufficient to determine the role of this variant in disease. Therefore, it has been classified as a Variant of Uncertain Significance.

NM_001348768.2(HECW2):c.2735G>C (p.Arg912Thr)

Gene: HECW2 (HECT, C2 and WW domain containing E3 ubiquitin protein ligase 2; minus strand). Cytogenetic location: 2q32.3.
Variant type: single nucleotide variant.
Coding change: c.2735G>C on transcript NM_001348768.2 (MANE Select); coding-DNA position 2735, G replaced by C.
Protein change: p.Arg912Thr; replaces arginine 912 with threonine.
Molecular consequence: missense variant.
Genome position (GRCh38, 1-based): chr2:196,306,567, C>G on the plus strand (G>C on the coding strand, the complement: HECW2 is on the minus strand). VCF-style: chr2-196306567-C-G. GRCh37 (hg19) VCF-style: chr2-197171291-C-G.
Other names: c.1667G>C, p.Arg556Thr (NM_001304840.3); c.2735G>C, p.Arg912Thr (NM_020760.4); short protein forms R912T, R556T.
Identifiers: ClinVar variation 2896228 (VCV002896228.3), dbSNP rs1691271902, ClinGen allele CA349961356.